The following is an entry in ClinVar:

ClinVar aggregate classification (germline): Uncertain significance (1 of 4 stars; one submission).

Submission:

Labcorp Genetics (formerly Invitae), Labcorp
Classification: Uncertain significance. Last evaluated: 2021-08-12. Review status: criteria provided, single submitter. Criteria: Invitae Variant Classification Sherloc (09022015). Collection method: clinical testing. Allele origin: germline.
Comment: Algorithms developed to predict the effect of missense changes on protein structure and function are either unavailable or do not agree on the potential impact of this missense change (SIFT: "Deleterious"; PolyPhen-2: "Probably Damaging"; Align-GVGD: "Class C0"). This sequence change replaces histidine with proline at codon 525 of the TBCK protein (p.His525Pro). The histidine residue is highly conserved and there is a moderate physicochemical difference between histidine and proline. This variant is not present in population databases (ExAC no frequency). This variant has not been reported in the literature in individuals affected with TBCK-related conditions. In summary, the available evidence is currently insufficient to determine the role of this variant in disease. Therefore, it has been classified as a Variant of Uncertain Significance.

NM_001163435.3(TBCK):c.1574A>C (p.His525Pro)

Gene: TBCK (TBC1 domain containing kinase; minus strand). Cytogenetic location: 4q24.
Variant type: single nucleotide variant.
Coding change: c.1574A>C on transcript NM_001163435.3 (MANE Select); coding-DNA position 1574, A replaced by C.
Protein change: p.His525Pro; replaces histidine 525 with proline.
Molecular consequence: missense variant.
Genome position (GRCh38, 1-based): chr4:106,233,003, T>G on the plus strand (A>C on the coding strand, the complement: TBCK is on the minus strand). VCF-style: chr4-106233003-T-G. GRCh37 (hg19) VCF-style: chr4-107154160-T-G.
Other names: c.1574A>C, p.His525Pro (NM_001163436.4); c.1457A>C, p.His486Pro (NM_001163437.3); c.1058A>C, p.His353Pro (NM_001290768.2); c.1385A>C, p.His462Pro (NM_033115.5); short protein forms H525P, H353P, H486P, H462P.
Identifiers: ClinVar variation 1374375 (VCV001374375.6), dbSNP rs377724395, ClinGen allele CA357822520.